The following is an entry in ClinVar:

ClinVar aggregate classification (germline): Uncertain significance. Review status: criteria provided, multiple submitters, no conflicts (2 of 4 stars). 3 submissions from 3 submitters: Uncertain significance (3). Last evaluated 2025-08-22.

Conditions:
Inborn genetic diseases. Identifiers: MedGen C0950123, MeSH D030342.

gnomAD v4.1: 1 of 1,605,416 alleles (0.000062%); no homozygotes.

Submissions (3):

Ambry Genetics
Classification: Uncertain significance for Inborn genetic diseases. Last evaluated: 2025-08-22. Review status: criteria provided, single submitter. Criteria: Ambry Variant Classification Scheme 2023. Collection method: clinical testing. Allele origin: germline.
Comment: The p.G645S variant (also known as c.1933G>A), located in coding exon 13 of the ASXL1 gene, results from a G to A substitution at nucleotide position 1933. The glycine at codon 645 is replaced by serine, an amino acid with similar properties. This amino acid position is conserved. In addition, this alteration is predicted to be tolerated by in silico analysis. Based on the available evidence, the clinical significance of this variant remains unclear.

Labcorp Genetics (formerly Invitae), Labcorp
Classification: Uncertain significance. Last evaluated: 2024-06-11. Review status: criteria provided, single submitter. Criteria: Invitae Variant Classification Sherloc (09022015). Collection method: clinical testing. Allele origin: germline.
Comment: This sequence change replaces glycine, which is neutral and non-polar, with serine, which is neutral and polar, at codon 645 of the ASXL1 protein (p.Gly645Ser). This variant is not present in population databases (gnomAD no frequency). This variant has not been reported in the literature in individuals affected with ASXL1-related conditions. ClinVar contains an entry for this variant (Variation ID: 1505130). An algorithm developed to predict the effect of missense changes on protein structure and function (PolyPhen-2) suggests that this variant is likely to be disruptive. In summary, the available evidence is currently insufficient to determine the role of this variant in disease. Therefore, it has been classified as a Variant of Uncertain Significance.

GeneDx
Classification: Uncertain significance. Last evaluated: 2023-05-08. Review status: criteria provided, single submitter. Criteria: GeneDx Variant Classification Process June 2021. Collection method: clinical testing. Allele origin: germline. Affected: yes.
Comment: Not observed at significant frequency in large population cohorts (gnomAD); In silico analysis supports that this missense variant has a deleterious effect on protein structure/function; Has not been previously published as pathogenic or benign to our knowledge

NM_015338.6(ASXL1):c.1933G>A (p.Gly645Ser)

Gene: ASXL1 (ASXL transcriptional regulator 1; plus strand). Cytogenetic location: 20q11.21.
Variant type: single nucleotide variant.
Coding change: c.1933G>A on transcript NM_015338.6 (MANE Select); coding-DNA position 1933, G replaced by A.
Protein change: p.Gly645Ser; replaces glycine 645 with serine.
Molecular consequence: missense variant.
Genome position (GRCh38, 1-based): chr20:32,434,645, G>A. VCF-style: chr20-32434645-G-A. GRCh37 (hg19) VCF-style: chr20-31022448-G-A.
Other names: c.1750G>A, p.Gly584Ser (NM_001363734.1); c.1933G>A (NM_015338.5); short protein forms G584S, G645S.
Identifiers: ClinVar variation 1505130 (VCV001505130.10), dbSNP rs2011676360, ClinGen allele CA408558213.
Genomic context (GRCh38, chr20:32,434,645, plus strand): 5'-CGAGGGGCGAGAGGTCACCACTGCCATAGAGAGGCGGCCACCACTGCCATCGGAGGGGGG[G>A]GTGGCCCGGGTGGAGGTGGCGGCGGGGCCACCGATGAGGGAGGTGGCAGAGGCAGCAGCA-3'
Protein context (NP_056153.2, residues 635-655): EAATTAIGGG[Gly645Ser]GPGGGGGGAT